The following is an entry in ClinVar:

NM_000059.4(BRCA2):c.1281C>T (p.Asp427=)

Gene: BRCA2 (BRCA2 DNA repair associated; plus strand). Cytogenetic location: 13q13.1.
Variant type: single nucleotide variant.
Coding change: c.1281C>T on transcript NM_000059.4 (MANE Select); coding-DNA position 1281, C replaced by T.
Protein change: p.Asp427=; no amino-acid change (aspartic acid 427 retained).
Molecular consequence: synonymous variant. On other transcripts: non-coding transcript variant (1), intron variant (1).
Genome position (GRCh38, 1-based): chr13:32,332,759, C>T. VCF-style: chr13-32332759-C-T. GRCh37 (hg19) VCF-style: chr13-32906896-C-T.
Other names: c.1281C>T, p.Asp427= (NM_001406719.1, NM_001406720.1, NM_001406721.1); c.424+1729C>T (NM_001406722.1).
Identifiers: ClinVar variation 1768048 (VCV001768048.37), dbSNP rs772430226, ClinGen allele CA483436604.

ClinVar aggregate classification (germline): Likely benign. Review status: criteria provided, multiple submitters, no conflicts (2 of 4 stars). 4 submissions from 4 submitters: Likely benign (4). Last evaluated 2023-06-12.

Conditions:
Hereditary cancer-predisposing syndrome. Also called: Hereditary neoplastic syndrome; Neoplastic Syndromes, Hereditary; Tumor predisposition; Hereditary Cancer Syndrome. Identifiers: Orphanet 140162, MedGen C0027672, MeSH D009386, MONDO:0015356.
Hereditary breast ovarian cancer syndrome. Also called: Hereditary breast and ovarian cancer syndrome (HBOC); Hereditary breast and ovarian cancer; Hereditary breast and/or ovarian cancer syndrome; BRCA1- and BRCA2-Associated Hereditary Breast and Ovarian Cancer; Hereditary breast and ovarian cancer syndrome; Breast and ovarian cancer. Identifiers: Orphanet 145, MedGen C0677776, MeSH D061325, MONDO:0003582. Disease mechanism: loss of function.

Submissions (4):

Quest Diagnostics Nichols Institute San Juan Capistrano
Classification: Likely benign. Last evaluated: 2023-06-12. Review status: criteria provided, single submitter. Criteria: Quest Diagnostics criteria. Collection method: clinical testing. Allele origin: unknown.

CeGaT Center for Human Genetics Tuebingen
Classification: Likely benign. Last evaluated: 2022-11-01. Review status: criteria provided, single submitter. Criteria: CeGaT Center For Human Genetics Tuebingen Variant Classification Criteria Version 2. Collection method: clinical testing. Allele origin: germline. Affected: yes. Observed: 1 variant allele.
Comment: BRCA2: PM2:Supporting, BP4, BP7

Labcorp Genetics (formerly Invitae), Labcorp
Classification: Likely benign for Hereditary breast ovarian cancer syndrome. Last evaluated: 2022-04-18. Review status: criteria provided, single submitter. Criteria: Invitae Variant Classification Sherloc (09022015). Collection method: clinical testing. Allele origin: germline.

Ambry Genetics
Classification: Likely benign for Hereditary cancer-predisposing syndrome. Last evaluated: 2022-01-27. Review status: criteria provided, single submitter. Criteria: Ambry Variant Classification Scheme 2023. Collection method: clinical testing. Allele origin: germline.

Literature cited by the submitters: PubMed 23034506 (cited by Quest Diagnostics Nichols Institute San Juan Capistrano).